The following is an entry in ClinVar:

NM_000051.4(ATM):c.8196C>G (p.Phe2732Leu)

Genes: C11orf65 (chromosome 11 open reading frame 65; minus strand), ATM (ATM serine/threonine kinase; plus strand). Cytogenetic location: 11q22.3.
Variant type: single nucleotide variant.
Coding change: c.8196C>G on transcript NM_000051.4 (MANE Select); coding-DNA position 8196, C replaced by G.
Protein change: p.Phe2732Leu; replaces phenylalanine 2732 with leucine.
Molecular consequence: missense variant. On other transcripts: intron variant (2).
Genome position (GRCh38, 1-based): chr11:108,335,889, C>G. VCF-style: chr11-108335889-C-G. GRCh37 (hg19) VCF-style: chr11-108206616-C-G.
Other names: c.8196C>G, p.Phe2732Leu (NM_001351834.2); c.641-26818G>C (NM_001330368.2); c.695-597G>C (NM_001351110.2); short protein forms F2732L.
Identifiers: ClinVar variation 1357183 (VCV001357183.12), dbSNP rs1183442138, ClinGen allele CA382562548.

ClinVar aggregate classification (germline): Uncertain significance. Review status: criteria provided, multiple submitters, no conflicts (2 of 4 stars). 2 submissions from 2 submitters: Uncertain significance (2). Last evaluated 2024-05-01.

Conditions:
Hereditary cancer-predisposing syndrome. Also called: Tumor predisposition; Neoplastic Syndromes, Hereditary; Hereditary Cancer Syndrome; Hereditary neoplastic syndrome. Identifiers: Orphanet 140162, MedGen C0027672, MeSH D009386, MONDO:0015356.
Ataxia-telangiectasia syndrome (AT). Also called: Ataxia-telangiectasia; LOUIS-BAR SYNDROME; Ataxia-telangiectasia, complementation group D; AT, COMPLEMENTATION GROUP C; ATAXIA-TELANGIECTASIA, COMPLEMENTATION GROUP A; ATAXIA-TELANGIECTASIA, FRESNO VARIANT. Identifiers: Orphanet 100, MedGen C0004135, MONDO:0008840, OMIM 208900.

Allele frequency attached by ClinVar (database versions not stated): gnomAD 0.00001; TOPMed below 0.00001.
gnomAD v4.1: 1 of 1,613,864 alleles (0.000062%); highest among the groups gnomAD compares: Non-Finnish European, 0.000085%; no homozygotes.

Submissions (2):

Labcorp Genetics (formerly Invitae), Labcorp
Classification: Uncertain significance for Ataxia-telangiectasia syndrome. Last evaluated: 2024-05-01. Review status: criteria provided, single submitter. Criteria: Invitae Variant Classification Sherloc (09022015). Collection method: clinical testing. Allele origin: germline.
Comment: This sequence change replaces phenylalanine, which is neutral and non-polar, with leucine, which is neutral and non-polar, at codon 2732 of the ATM protein (p.Phe2732Leu). This variant is not present in population databases (gnomAD no frequency). This variant has not been reported in the literature in individuals affected with ATM-related conditions. ClinVar contains an entry for this variant (Variation ID: 1357183). An algorithm developed to predict the effect of missense changes on protein structure and function (PolyPhen-2) suggests that this variant is likely to be disruptive. In summary, the available evidence is currently insufficient to determine the role of this variant in disease. Therefore, it has been classified as a Variant of Uncertain Significance.

Ambry Genetics
Classification: Uncertain significance for Hereditary cancer-predisposing syndrome. Last evaluated: 2023-04-26. Review status: criteria provided, single submitter. Criteria: Ambry Variant Classification Scheme 2023. Collection method: clinical testing. Allele origin: germline.
Comment: The p.F2732L variant (also known as c.8196C>G), located in coding exon 55 of the ATM gene, results from a C to G substitution at nucleotide position 8196. The phenylalanine at codon 2732 is replaced by leucine, an amino acid with highly similar properties. This amino acid position is highly conserved in available vertebrate species. In addition, this alteration is predicted to be deleterious by in silico analysis. Since supporting evidence is limited at this time, the clinical significance of this alteration remains unclear.